The following is an entry in ClinVar:

GRCh38/hg38 Xp11.4(chrX:38627546-38769303)x2

Genes: TSPAN7 (tetraspanin 7; plus strand), LOC130068099 (ATAC-STARR-seq lymphoblastoid silent region 20736; plus strand). Cytogenetic location: Xp11.4.
Variant type: copy number gain.
Change: copy number 2 of chrX:38,627,546-38,769,303 (141.8 kb, GRCh38 coordinates, 1-based), cytogenetic band Xp11.4.
Identifiers: ClinVar variation 155300 (VCV000155300.3).

ClinVar aggregate classification (germline): conflicting data from submitters (0 of 4 stars; one submission).

Submission:

ISCA site 1
Classification: conflicting data from submitters. Last evaluated: 2014-07-18. Review status: no assertion criteria provided. Collection method: clinical testing. Allele origin: maternal, unknown. Affected: yes. Observed: 2 variant alleles.
Comment: Pathogenic(1), Uncertain significance(1)

Copy number variation identified through the course of routine clinical cytogenomic testing in postnatal populations, with clinical assertions as classified by the original submitter. For data from the original published study, Kaminsky, et al. 2011 (PubMed 21844811), please see nstd101.